The following is an entry in ClinVar:

NM_014141.6(CNTNAP2):c.958C>T (p.Pro320Ser)

Gene: CNTNAP2 (contactin associated protein 2; plus strand). Cytogenetic location: 7q35.
Variant type: single nucleotide variant.
Coding change: c.958C>T on transcript NM_014141.6 (MANE Select); coding-DNA position 958, C replaced by T.
Protein change: p.Pro320Ser; replaces proline 320 with serine.
Molecular consequence: missense variant.
Genome position (GRCh38, 1-based): chr7:147,128,711, C>T. VCF-style: chr7-147128711-C-T. GRCh37 (hg19) VCF-style: chr7-146825803-C-T.
Other names: short protein forms P320S.
Identifiers: ClinVar variation 579019 (VCV000579019.9), dbSNP rs113086771, ClinGen allele CA168690431.

ClinVar aggregate classification (germline): Uncertain significance (1 of 4 stars; one submission).

Conditions:
Cortical dysplasia-focal epilepsy syndrome (PTHSL1). Also called: Pitt-Hopkins-like syndrome 1. Identifiers: Orphanet 163681, Orphanet 221150, MedGen C2750246, MONDO:0012400, OMIM 610042.

Submission:

Labcorp Genetics (formerly Invitae), Labcorp
Classification: Uncertain significance for Cortical dysplasia-focal epilepsy syndrome. Last evaluated: 2022-11-22. Review status: criteria provided, single submitter. Criteria: Invitae Variant Classification Sherloc (09022015). Collection method: clinical testing. Allele origin: germline.
Comment: This variant is not present in population databases (gnomAD no frequency). This variant has not been reported in the literature in individuals affected with CNTNAP2-related conditions. ClinVar contains an entry for this variant (Variation ID: 579019). Algorithms developed to predict the effect of missense changes on protein structure and function are either unavailable or do not agree on the potential impact of this missense change (SIFT: "Deleterious"; PolyPhen-2: "Benign"; Align-GVGD: "Class C0"). In summary, the available evidence is currently insufficient to determine the role of this variant in disease. Therefore, it has been classified as a Variant of Uncertain Significance. This sequence change replaces proline, which is neutral and non-polar, with serine, which is neutral and polar, at codon 320 of the CNTNAP2 protein (p.Pro320Ser).